The following is an entry in ClinVar:

NM_001035.3(RYR2):c.11403T>A (p.Ser3801Arg)

Gene: RYR2 (ryanodine receptor 2; plus strand). Cytogenetic location: 1q43.
Variant type: single nucleotide variant.
Coding change: c.11403T>A on transcript NM_001035.3 (MANE Select); coding-DNA position 11403, T replaced by A.
Protein change: p.Ser3801Arg; replaces serine 3801 with arginine.
Molecular consequence: missense variant.
Genome position (GRCh38, 1-based): chr1:237,760,955, T>A. VCF-style: chr1-237760955-T-A. GRCh37 (hg19) VCF-style: chr1-237924255-T-A.
Other names: short protein forms S3801R.
Identifiers: ClinVar variation 4278627 (VCV004278627.1).
Genomic context (GRCh38, chr1:237,760,955, plus strand): 5'-CTGAGCAAAGAAAATGTTCTATTAGTCCTCTAAATGTTTTTTTTTCCCTTGTTATTATAG[T>A]GTCCTTGACCTAAATGCATTTGAGCGACAAAACAAAGCTGAAGGTCTTGGGATGGTGACA-3'
Protein context (NP_001026.2, residues 3791-3811): QSLAGLMQSC[Ser3801Arg]VLDLNAFERQ

ClinVar aggregate classification (germline): Uncertain significance (1 of 4 stars; one submission).

Submission:

GeneDx
Classification: Uncertain significance. Last evaluated: 2025-04-03. Review status: criteria provided, single submitter. Criteria: GeneDx Variant Classification Process June 2021. Collection method: clinical testing. Allele origin: germline. Affected: yes.
Comment: Not observed at significant frequency in large population cohorts (gnomAD); In silico analysis supports that this missense variant has a deleterious effect on protein structure/function; Has not been previously published as pathogenic or benign to our knowledge; Located in one of the three hot-spot regions of the RYR2 gene, where the majority of pathogenic missense variants occur (PMID: 19926015); This variant is associated with the following publications: (PMID: 19926015)